The following is an entry in ClinVar:

ClinVar aggregate classification (germline): Likely benign (1 of 4 stars; one submission).

Submission:

CeGaT Center for Human Genetics Tuebingen
Classification: Likely benign. Last evaluated: 2025-01-01. Review status: criteria provided, single submitter. Criteria: CeGaT Center For Human Genetics Tuebingen Variant Classification Criteria Version 2. Collection method: clinical testing. Allele origin: germline. Affected: yes. Observed: 2 variant alleles.
Comment: SCYGR1: BP4, BP7

NM_001395402.1(SCYGR1):c.24T>C (p.Gly8=)

Gene: SCYGR1 (small cysteine and glycine repeat containing 1; minus strand). Cytogenetic location: 2q36.3.
Variant type: single nucleotide variant.
Coding change: c.24T>C on transcript NM_001395402.1 (MANE Select); coding-DNA position 24, T replaced by C.
Protein change: p.Gly8=; no amino-acid change (glycine 8 retained).
Molecular consequence: synonymous variant.
Genome position (GRCh38, 1-based): chr2:227,387,926, A>G on the plus strand (T>C on the coding strand, the complement: SCYGR1 is on the minus strand). VCF-style: chr2-227387926-A-G. GRCh37 (hg19) VCF-style: chr2-228252642-A-G.
Identifiers: ClinVar variation 3341813 (VCV003341813.16).